The following is an entry in ClinVar:

ClinVar aggregate classification (germline): Benign/Likely benign. Review status: criteria provided, multiple submitters, no conflicts (2 of 4 stars). 2 submissions from 2 submitters: Benign (1); Likely benign (1). Last evaluated 2025-02-10.

Conditions:
Hereditary cancer-predisposing syndrome. Also called: Hereditary Cancer Syndrome; Tumor predisposition; Hereditary neoplastic syndrome; Neoplastic Syndromes, Hereditary. Identifiers: Orphanet 140162, MedGen C0027672, MeSH D009386, MONDO:0015356.
Juvenile polyposis syndrome (JPS). Identifiers: Orphanet 2929, MedGen C0345893, MONDO:0017380, OMIM 174900.

Submissions (2):

Ambry Genetics
Classification: Likely benign for Hereditary cancer-predisposing syndrome. Last evaluated: 2025-02-10. Review status: criteria provided, single submitter. Criteria: Ambry Variant Classification Scheme 2023. Collection method: clinical testing. Allele origin: germline.

Myriad Genetics, Inc.
Classification: Benign for Juvenile polyposis syndrome. Last evaluated: 2024-08-08. Review status: criteria provided, single submitter. Criteria: Myriad Autosomal Dominant, Autosomal Recessive and X-Linked Classification Criteria (2023). Collection method: clinical testing. Allele origin: unknown.
Comment: This variant is considered benign. This variant is a silent/synonymous amino acid change and it is not expected to impact splicing.

NM_004329.3(BMPR1A):c.1503A>C (p.Ser501=)

Gene: BMPR1A (bone morphogenetic protein receptor type 1A; plus strand). Cytogenetic location: 10q23.2.
Variant type: single nucleotide variant.
Coding change: c.1503A>C on transcript NM_004329.3 (MANE Select); coding-DNA position 1503, A replaced by C.
Protein change: p.Ser501=; no amino-acid change (serine 501 retained).
Molecular consequence: synonymous variant. On other transcripts: non-coding transcript variant (3).
Genome position (GRCh38, 1-based): chr10:86,923,623, A>C. VCF-style: chr10-86923623-A-C. GRCh37 (hg19) VCF-style: chr10-88683380-A-C.
Other names: c.1578A>C, p.Ser526= (NM_001406559.1); c.1551A>C, p.Ser517= (NM_001406560.1); c.1503A>C, p.Ser501= (NM_001406561.1, NM_001406562.1, NM_001406563.1 and 19 more transcripts); c.1497A>C, p.Ser499= (NM_001406583.1); c.1419A>C, p.Ser473= (NM_001406584.1, NM_001406585.1, NM_001406586.1 and 2 more transcripts); c.1161A>C, p.Ser387= (NM_001406589.1).
Identifiers: ClinVar variation 3378784 (VCV003378784.2).